The following is an entry in ClinVar:

NM_000222.3(KIT):c.1775-19G>C

Gene: KIT (KIT proto-oncogene, receptor tyrosine kinase; plus strand). Cytogenetic location: 4q12.
Variant type: single nucleotide variant.
Coding change: c.1775-19G>C on transcript NM_000222.3 (MANE Select); 19 bases into the intron before coding-DNA position 1775, G replaced by C.
Molecular consequence: intron variant.
Genome position (GRCh38, 1-based): chr4:54,727,804, G>C. VCF-style: chr4-54727804-G-C. GRCh37 (hg19) VCF-style: chr4-55593970-G-C.
Other names: c.1778-19G>C (NM_001385284.1, NM_001385290.1); c.1766-19G>C (NM_001385288.1, NM_001385292.1); c.1775-19G>C (NM_001385285.1); c.1763-19G>C (NM_001093772.2, NM_001385286.1).
Identifiers: ClinVar variation 2722754 (VCV002722754.4), dbSNP rs1722336811, ClinGen allele CA1458739332.

ClinVar aggregate classification (germline): Likely benign. Review status: criteria provided, multiple submitters, no conflicts (2 of 4 stars). 2 submissions from 2 submitters: Likely benign (2). Last evaluated 2026-05-27.

Conditions:
Gastrointestinal stromal tumor. Also called: Gastrointestinal stromal tumor, somatic; Gastrointestinal stroma tumor. Identifiers: Orphanet 44890, MedGen C0238198, MeSH D046152, MONDO:0011719, OMIM 606764, HP:0100723.

Submissions (2):

Myriad Genetics, Inc.
Classification: Likely benign for Gastrointestinal stromal tumor. Last evaluated: 2026-05-27. Review status: criteria provided, single submitter. Criteria: Myriad Autosomal Dominant, Autosomal Recessive and X-Linked Classification Criteria (2023). Collection method: clinical testing. Allele origin: unknown.
Comment: This variant is considered likely benign. This variant is intronic and is not expected to impact mRNA splicing.

Labcorp Genetics (formerly Invitae), Labcorp
Classification: Likely benign for Gastrointestinal stromal tumor. Last evaluated: 2025-07-15. Review status: criteria provided, single submitter. Criteria: Invitae Variant Classification Sherloc (09022015). Collection method: clinical testing. Allele origin: germline.